The following is an entry in ClinVar:

NM_152564.5(VPS13B):c.2654A>G (p.Asp885Gly)

Gene: VPS13B (vacuolar protein sorting 13 homolog B; plus strand). Cytogenetic location: 8q22.2.
Variant type: single nucleotide variant.
Coding change: c.2654A>G on transcript NM_152564.5 (MANE Select); coding-DNA position 2654, A replaced by G.
Protein change: p.Asp885Gly; replaces aspartic acid 885 with glycine.
Molecular consequence: missense variant.
Genome position (GRCh38, 1-based): chr8:99,275,084, A>G. VCF-style: chr8-99275084-A-G. GRCh37 (hg19) VCF-style: chr8-100287312-A-G.
Other names: c.2654A>G, p.Asp885Gly (NM_017890.5); short protein forms D885G.
Identifiers: ClinVar variation 5017014 (VCV005017014.1).

ClinVar aggregate classification (germline): Uncertain significance (1 of 4 stars; one submission).

Submission:

GeneDx
Classification: Uncertain significance. Last evaluated: 2026-03-23. Review status: criteria provided, single submitter. Criteria: GeneDx Variant Classification Process June 2021. Collection method: clinical testing. Allele origin: germline.
Comment: Not observed at significant frequency in large population cohorts (gnomAD); In silico analysis suggests that this missense variant does not alter protein structure/function; Has not been previously published as pathogenic or benign to our knowledge